The following is an entry in ClinVar:

ClinVar aggregate classification (germline): Pathogenic (1 of 4 stars; one submission).

Conditions:
Juvenile polyposis syndrome (JPS). Identifiers: Orphanet 2929, MedGen C0345893, MONDO:0017380, OMIM 174900.

Submission:

Labcorp Genetics (formerly Invitae), Labcorp
Classification: Pathogenic for Juvenile polyposis syndrome. Last evaluated: 2020-12-07. Review status: criteria provided, single submitter. Criteria: Invitae Variant Classification Sherloc (09022015). Collection method: clinical testing. Allele origin: germline.
Comment: This variant has not been reported in the literature in individuals with SMAD4-related conditions. For these reasons, this variant has been classified as Pathogenic. This variant disrupts the C-terminus of the SMAD4 protein. Other variant(s) that disrupt this region (p.Ala532Profs*5) have been determined to be pathogenic (PMID: 15031030). This suggests that variants that disrupt this region of the protein are likely to be causative of disease. This variant is a gross deletion of the genomic region encompassing exon(s) 12 of the SMAD4 gene. The 5' boundary is likely confined to intron 11. The 3' end of this event is unknown as it extends through the termination codon beyond the assayed region for this gene and may encompass additional genes. While this deletion is not anticipated to result in nonsense mediated decay, it is expected to create a truncated protein product or disrupt mRNA translation.

Literature cited by the submitters: PubMed 15031030.

NC_000018.9:g.(?_48604616)_(48604837_?)del

Gene: SMAD4 (SMAD family member 4; plus strand). Cytogenetic location: 18q21.2.
Variant type: Deletion.
Identifiers: ClinVar variation 1070021 (VCV001070021.7).